The following is an entry in ClinVar:

ClinVar aggregate classification (germline): Pathogenic (1 of 4 stars; one submission).

Conditions:
Osteogenesis imperfecta type I (OI1). Also called: Lobstein's Disease; Classic Non-deforming Osteogenesis Imperfecta with Blue Sclerae; Lobstein disease; OI, TYPE I; OSTEOGENESIS IMPERFECTA TARDA; OSTEOGENESIS IMPERFECTA WITH BLUE SCLERAE. Identifiers: Orphanet 216796, Orphanet 666, MedGen C0023931, MONDO:0008146, OMIM 166200. Disease mechanism: loss of function.

Submission:

Labcorp Genetics (formerly Invitae), Labcorp
Classification: Pathogenic for Osteogenesis imperfecta type I. Last evaluated: 2025-03-31. Review status: criteria provided, single submitter. Criteria: Invitae Variant Classification Sherloc (09022015). Collection method: clinical testing. Allele origin: germline.
Comment: This sequence change creates a premature translational stop signal (p.Gln27*) in the COL1A1 gene. It is expected to result in an absent or disrupted protein product. Loss-of-function variants in COL1A1 are known to be pathogenic (PMID: 7942841, 9295084, 9443882). This variant is not present in population databases (gnomAD no frequency). This variant has not been reported in the literature in individuals affected with COL1A1-related conditions. ClinVar contains an entry for this variant (Variation ID: 2717656). For these reasons, this variant has been classified as Pathogenic.

Literature cited by the submitters: PubMed 7942841; PubMed 9295084; PubMed 9443882.

NM_000088.4(COL1A1):c.79C>T (p.Gln27Ter)

Gene: COL1A1 (collagen type I alpha 1 chain; minus strand). Cytogenetic location: 17q21.33.
Variant type: single nucleotide variant.
Coding change: c.79C>T on transcript NM_000088.4 (MANE Select); coding-DNA position 79, C replaced by T.
Protein change: p.Gln27Ter; replaces glutamine 27 with a stop codon.
Molecular consequence: nonsense.
Genome position (GRCh38, 1-based): chr17:50,201,435, G>A on the plus strand (C>T on the coding strand, the complement: COL1A1 is on the minus strand). VCF-style: chr17-50201435-G-A. GRCh37 (hg19) VCF-style: chr17-48278796-G-A.
Other names: short protein forms Q27*.
Identifiers: ClinVar variation 2717656 (VCV002717656.3), dbSNP rs2509266618, ClinGen allele CA400230194.